The following is an entry in ClinVar:

NM_015374.3(SUN2):c.131_133del (p.Lys44del)

Gene: SUN2 (Sad1 and UNC84 domain containing 2; minus strand). Cytogenetic location: 22q13.1.
Variant type: Deletion.
Coding change: c.131_133del on transcript NM_015374.3 (MANE Select); coding-DNA positions 131 to 133, 3 bases deleted (AGA; older notation c.131_133delAGA).
Protein change: p.Lys44del; deletes lysine 44.
Molecular consequence: intron variant (on NM_001394443.1).
Genome position (GRCh38, 1-based): chr22:38,751,363-38,751,365, TCT deleted on the plus strand (AGA on the coding strand, the reverse complement: SUN2 is on the minus strand); deleting any 3 consecutive bases within chr22:38,751,363-38,751,367 gives the same sequence; the c. name uses the placement nearest the transcript's 3' end. VCF-style (leftmost placement, unchanged base first): chr22-38751362-CTCT-C. GRCh37 (hg19) VCF-style: chr22-39147367-CTCT-C.
Other names: c.131_133del, p.Lys44del (NM_001199579.2, NM_001199580.2, NM_001394427.1 and 16 more transcripts); c.122+1142_122+1144del (NM_001394443.1); c.123-82_123-80del (NM_001394438.1); short protein forms K44del.
Identifiers: ClinVar variation 4803818 (VCV004803818.1).

ClinVar aggregate classification (germline): Uncertain significance (1 of 4 stars; one submission).

Conditions:
Emery-Dreifuss muscular dystrophy (EDMD). Also called: Scapuloperoneal syndrome, X-linked (formerly); Humeroperoneal neuromuscular disease, (formerly). Identifiers: Orphanet 261, MedGen C0410189, MONDO:0016830.

Submission:

Labcorp Genetics (formerly Invitae), Labcorp
Classification: Uncertain significance for Emery-Dreifuss muscular dystrophy. Last evaluated: 2025-11-28. Review status: criteria provided, single submitter. Criteria: Invitae Variant Classification Sherloc (09022015). Collection method: clinical testing. Allele origin: germline.
Comment: This variant, c.131_133del, results in the deletion of 1 amino acid(s) of the SUN2 protein (p.Lys44del), but otherwise preserves the integrity of the reading frame. This variant is present in population databases (no rsID available, gnomAD 0.003%). This variant has not been reported in the literature in individuals affected with SUN2-related conditions. Experimental studies and prediction algorithms are not available or were not evaluated, and the functional significance of this variant is currently unknown. In summary, the available evidence is currently insufficient to determine the role of this variant in disease. Therefore, it has been classified as a Variant of Uncertain Significance.